The following is an entry in ClinVar:

ClinVar aggregate classification (germline): Uncertain significance (1 of 4 stars; one submission).

Conditions:
Cardiovascular phenotype. Identifiers: MedGen CN230736.

Submission:

Ambry Genetics
Classification: Uncertain significance for Cardiovascular phenotype. Last evaluated: 2025-05-11. Review status: criteria provided, single submitter. Criteria: Ambry Variant Classification Scheme 2023. Collection method: clinical testing. Allele origin: germline.
Comment: The p.A329V variant (also known as c.986C>T), located in coding exon 9 of the PTPN11 gene, results from a C to T substitution at nucleotide position 986. The alanine at codon 329 is replaced by valine, an amino acid with similar properties. This amino acid position is conserved. In addition, the in silico prediction for this alteration is inconclusive. Based on the available evidence, the clinical significance of this variant remains unclear.

NM_002834.5(PTPN11):c.986C>T (p.Ala329Val)

Gene: PTPN11 (protein tyrosine phosphatase non-receptor type 11; plus strand). Cytogenetic location: 12q24.13.
Variant type: single nucleotide variant.
Coding change: c.986C>T on transcript NM_002834.5 (MANE Select); coding-DNA position 986, C replaced by T.
Protein change: p.Ala329Val; replaces alanine 329 with valine.
Molecular consequence: missense variant.
Genome position (GRCh38, 1-based): chr12:112,477,909, C>T. VCF-style: chr12-112477909-C-T. GRCh37 (hg19) VCF-style: chr12-112915713-C-T.
Other names: c.986C>T, p.Ala329Val (NM_001330437.2, NM_080601.3); c.983C>T, p.Ala328Val (NM_001374625.1); short protein forms A329V, A328V.
Identifiers: ClinVar variation 3940417 (VCV003940417.1).